The following is an entry in ClinVar:

NM_001145358.2(SIN3A):c.3298G>C (p.Asp1100His)

Gene: SIN3A (SIN3 transcription regulator family member A; minus strand). Cytogenetic location: 15q24.2.
Variant type: single nucleotide variant.
Coding change: c.3298G>C on transcript NM_001145358.2 (MANE Select); coding-DNA position 3298, G replaced by C.
Protein change: p.Asp1100His; replaces aspartic acid 1100 with histidine.
Molecular consequence: missense variant.
Genome position (GRCh38, 1-based): chr15:75,380,714, C>G on the plus strand (G>C on the coding strand, the complement: SIN3A is on the minus strand). VCF-style: chr15-75380714-C-G. GRCh37 (hg19) VCF-style: chr15-75673055-C-G.
Other names: c.3298G>C, p.Asp1100His (NM_001145357.2, NM_015477.3); short protein forms D1100H.
Identifiers: ClinVar variation 452141 (VCV000452141.2), dbSNP rs752478066, ClinGen allele CA393486788.
Genomic context (GRCh38, chr15:75,380,714, plus strand): 5'-CTAGATGTTCACGAAGCTCAGGCGAGGTAGTATCTGAATTCATGTATCGCTCCACGTAGT[C>G]TGACCAGCGCTAAGATGGCAAACACAAAATACAGGTGGAAGGAAATCACAAAAACAGCTC-3'
Protein context (NP_001138830.1, residues 1090-1110): DDPVEAERWS[Asp1100His]YVERYMNSDT

ClinVar aggregate classification (germline): Uncertain significance (1 of 4 stars; one submission).

gnomAD v4.1: 7 of 1,613,678 alleles (0.00043%); highest among the groups gnomAD compares: African/African-American, 0.0013%; no homozygotes.

Submission:

GeneDx
Classification: Uncertain significance. Last evaluated: 2017-09-22. Review status: criteria provided, single submitter. Criteria: GeneDx Variant Classification (06012015). Collection method: clinical testing. Allele origin: germline. Affected: yes.
Comment: The D1100H variant has not been published as a pathogenic variant, nor has it been reported as a benign variant to our knowledge. It is not observed in large population cohorts (Lek et al., 2016). The D1100H variant is a non-conservative amino acid substitution that occurs at a position that is conserved across species. In silico analysis is inconsistent in its predictions as to whether or not the variant is damaging to the protein structure/function. Therefore, based on the currently available information, it is unclear whether this variant is a pathogenic variant or a rare benign variant.